The following is an entry in ClinVar:

ClinVar aggregate classification (germline): Conflicting classifications of pathogenicity. Review status: criteria provided, conflicting classifications (1 of 4 stars). 5 submissions from 5 submitters: Uncertain significance (1); Benign (2); Likely benign (2). Last evaluated 2025-12-10.

Conditions:
Familial sleep-related hypermotor epilepsy. Also called: Autosomal Dominant Sleep-Related Hypermotor (Hyperkinetic) Epilepsy. Identifiers: Orphanet 98784, MedGen C3696898, MONDO:0000030.
Inborn genetic diseases. Identifiers: MedGen C0950123, MeSH D030342.

Allele frequency attached by ClinVar (database versions not stated): TOPMed 0.00018; gnomAD exomes 0.00019 and 0.00031; ESP Exome Variant Server 0.00023; ExAC 0.00024; gnomAD 0.00026 and 0.00027.
gnomAD v4.1: 485 of 1,595,734 alleles (0.03%); highest among the groups gnomAD compares: Non-Finnish European, 0.036%; no homozygotes.

Submissions (5):

Labcorp Genetics (formerly Invitae), Labcorp
Classification: Benign. Last evaluated: 2025-12-10. Review status: criteria provided, single submitter. Criteria: Invitae Variant Classification Sherloc (09022015). Collection method: clinical testing. Allele origin: germline.

Blueprint Genetics
Classification: Likely benign. Last evaluated: 2024-07-04. Review status: criteria provided, single submitter. Criteria: ACMG Guidelines, 2015. Collection method: clinical testing. Allele origin: germline.

Ambry Genetics
Classification: Likely benign for Inborn genetic diseases. Last evaluated: 2017-09-25. Review status: criteria provided, single submitter. Criteria: Ambry Variant Classification Scheme 2023. Collection method: clinical testing. Allele origin: germline.

Eurofins Ntd Llc (ga)
Classification: Uncertain significance. Last evaluated: 2016-10-11. Review status: criteria provided, single submitter. Criteria: EGL Classification Definitions 2015. Collection method: clinical testing. Allele origin: germline. Observed: 1 variant allele, 1 heterozygote.

GeneDx
Classification: Benign. Last evaluated: 2014-10-22. Review status: criteria provided, single submitter. Criteria: GeneDx Variant Classification (06012015). Collection method: clinical testing. Allele origin: germline. Affected: yes.
Comment: This variant is considered likely benign or benign based on one or more of the following criteria: it is a conservative change, it occurs at a poorly conserved position in the protein, it is predicted to be benign by multiple in silico algorithms, and/or has population frequency not consistent with disease.

NM_000744.7(CHRNA4):c.1560C>T (p.Leu520=)

Gene: CHRNA4 (cholinergic receptor nicotinic alpha 4 subunit; minus strand). Cytogenetic location: 20q13.33.
Variant type: single nucleotide variant.
Coding change: c.1560C>T on transcript NM_000744.7 (MANE Select); coding-DNA position 1560, C replaced by T.
Protein change: p.Leu520=; no amino-acid change (leucine 520 retained).
Molecular consequence: synonymous variant. On other transcripts: non-coding transcript variant (1).
Genome position (GRCh38, 1-based): chr20:63,349,851, G>A on the plus strand (C>T on the coding strand, the complement: CHRNA4 is on the minus strand). VCF-style: chr20-63349851-G-A. GRCh37 (hg19) VCF-style: chr20-61981203-G-A.
Other names: p.L520L:CTC>CTT; c.1032C>T, p.Leu344= (NM_001256573.2).
Identifiers: ClinVar variation 205002 (VCV000205002.18), dbSNP rs142646795, ClinGen allele CA313524.